The following is an entry in ClinVar:

NM_000465.4(BARD1):c.882G>A (p.Arg294=)

Gene: BARD1 (BRCA1 associated RING domain 1; minus strand). Cytogenetic location: 2q35.
Variant type: single nucleotide variant.
Coding change: c.882G>A on transcript NM_000465.4 (MANE Select); coding-DNA position 882, G replaced by A.
Protein change: p.Arg294=; no amino-acid change (arginine 294 retained).
Molecular consequence: synonymous variant. On other transcripts: non-coding transcript variant (2), intron variant (3).
Genome position (GRCh38, 1-based): chr2:214,780,992, C>T on the plus strand (G>A on the coding strand, the complement: BARD1 is on the minus strand). VCF-style: chr2-214780992-C-T. GRCh37 (hg19) VCF-style: chr2-215645716-C-T.
Other names: c.825G>A, p.Arg275= (NM_001282543.2); c.158+28420G>A (NM_001282548.2); c.215+16069G>A (NM_001282545.2); c.364+11305G>A (NM_001282549.2).
Identifiers: ClinVar variation 184076 (VCV000184076.23), dbSNP rs778855056, ClinGen allele CA187710.

ClinVar aggregate classification (germline): Benign/Likely benign. Review status: criteria provided, multiple submitters, no conflicts (2 of 4 stars). 6 submissions from 6 submitters: Benign (2); Likely benign (4). Last evaluated 2026-01-27.

Conditions:
Hereditary cancer-predisposing syndrome. Also called: Tumor predisposition; Hereditary Cancer Syndrome; Hereditary neoplastic syndrome; Neoplastic Syndromes, Hereditary. Identifiers: Orphanet 140162, MedGen C0027672, MeSH D009386, MONDO:0015356.
Familial cancer of breast. Also called: BREAST CANCER, FAMILIAL; Hereditary breast cancer; hereditary breast carcinoma. Identifiers: Orphanet 227535, MedGen C0346153, MONDO:0016419, OMIM 114480. Disease mechanism: loss of function.

Allele frequency attached by ClinVar (database versions not stated): gnomAD 0.00001 and 0.00002; gnomAD exomes 0.00002 and 0.00005; TOPMed 0.00002; ExAC 0.00007.
gnomAD v4.1: 32 of 1,613,326 alleles (0.002%); highest among the groups gnomAD compares: East Asian, 0.069%; no homozygotes.

Submissions (6):

Labcorp Genetics (formerly Invitae), Labcorp
Classification: Likely benign for Familial cancer of breast. Last evaluated: 2026-01-27. Review status: criteria provided, single submitter. Criteria: Invitae Variant Classification Sherloc (09022015). Collection method: clinical testing. Allele origin: germline.

Myriad Genetics, Inc.
Classification: Benign for Familial cancer of breast. Last evaluated: 2024-07-23. Review status: criteria provided, single submitter. Criteria: Myriad Autosomal Dominant, Autosomal Recessive and X-Linked Classification Criteria (2023). Collection method: clinical testing. Allele origin: unknown.
Comment: This variant is considered benign. This variant is a silent/synonymous amino acid change and it is not expected to impact splicing.

Women's Health and Genetics/Laboratory Corporation of America, LabCorp
Classification: Benign. Last evaluated: 2023-11-22. Review status: criteria provided, single submitter. Criteria: LabCorp Variant Classification Summary - May 2015. Collection method: clinical testing. Allele origin: germline.
Comment: Variant summary: BARD1 c.882G>A alters a non-conserved nucleotide resulting in a synonymous change. Consensus agreement among computation tools predict no significant impact on normal splicing. However, these predictions have yet to be confirmed by functional studies. The variant allele was found at a frequency of 4.8e-05 in 250162 control chromosomes, predominantly at a frequency of 0.00065 within the East Asian subpopulation in the gnomAD database. The observed variant frequency within East Asian control individuals in the gnomAD database is approximately 2-fold of the estimated maximal expected allele frequency for a pathogenic variant in BARD1 causing Breast Cancer phenotype (0.00025), strongly suggesting that the variant is a benign polymorphism found primarily in populations of East Asian origin. To our knowledge, no occurrence of c.882G>A in individuals affected with Breast Cancer and no experimental evidence demonstrating its impact on protein function have been reported. Four submitters have cited clinical-significance assessments for this variant to ClinVar after 2014. All submitters classified the variant as likely benign. Based on the evidence outlined above, the variant was classified as benign.

Color Diagnostics, LLC DBA Color Health
Classification: Likely benign for Hereditary cancer-predisposing syndrome. Last evaluated: 2018-06-18. Review status: criteria provided, single submitter. Criteria: ACMG Guidelines, 2015. Collection method: clinical testing. Allele origin: germline.

Ambry Genetics
Classification: Likely benign for Hereditary cancer-predisposing syndrome. Last evaluated: 2016-03-14. Review status: criteria provided, single submitter. Criteria: Ambry Variant Classification Scheme 2023. Collection method: clinical testing. Allele origin: germline.

GeneDx
Classification: Likely benign. Last evaluated: 2016-01-11. Review status: criteria provided, single submitter. Criteria: GeneDx Variant Classification (06012015). Collection method: clinical testing. Allele origin: germline. Affected: yes.
Comment: This variant is considered likely benign or benign based on one or more of the following criteria: it is a conservative change, it occurs at a poorly conserved position in the protein, it is predicted to be benign by multiple in silico algorithms, and/or has population frequency not consistent with disease.